The following is an entry in ClinVar:

ClinVar aggregate classification (germline): Pathogenic (1 of 4 stars; one submission).

Conditions:
Mucopolysaccharidosis type 6 (MPS6). Also called: N-ACETYLGALACTOSAMINE-4-SULFATASE DEFICIENCY; MPS VI; MPS 6; Maroteaux Lamy syndrome; ARSB DEFICIENCY; ARYLSULFATASE B DEFICIENCY. Identifiers: Orphanet 583, MedGen C0026709, MONDO:0009661, OMIM 253200.

Submission:

Laboratory of Diagnosis and Therapy of Lysosomal Disorders, University of Padova
Classification: Pathogenic for Mucopolysaccharidosis type 6. Last evaluated: 2018-01-01. Review status: criteria provided, single submitter. Criteria: ACMG Guidelines, 2015. Collection method: curation. Allele origin: germline. Affected: yes.
Comment: Frameshift variant (PVS1); Located in a well-established functional domain (PM1); Absent from GnomAD (PM2)

Literature cited by the submitters: PubMed 28914427; PubMed 30118150.

NM_000046.5(ARSB):c.270_274del (p.Cys91fs)

Genes: ARSB (arylsulfatase B; minus strand), LOC129994126 (ATAC-STARR-seq lymphoblastoid silent region 16127; plus strand). Cytogenetic location: 5q14.1.
Variant type: Deletion.
Coding change: c.270_274del on transcript NM_000046.5 (MANE Select); coding-DNA positions 270 to 274, 5 bases deleted (GTGCA; older notation c.270_274delGTGCA).
Protein change: p.Cys91fs; shifts the reading frame from cysteine 91.
Molecular consequence: frameshift variant.
Genome position (GRCh38, 1-based): chr5:78,984,975-78,984,979, TGCAC deleted on the plus strand (GTGCA on the coding strand, the reverse complement: ARSB is on the minus strand). VCF-style (leftmost placement, unchanged base first): chr5-78984974-GTGCAC-G. GRCh37 (hg19) VCF-style: chr5-78280797-GTGCAC-G.
Other names: c.270_274del, p.Cys91fs (NM_198709.3); short protein forms C91fs.
Identifiers: ClinVar variation 559755 (VCV000559755.1), dbSNP rs1554032110, ClinGen allele CA658822937.